The following is an entry in ClinVar:

NM_000860.6(HPGD):c.707A>G (p.Asp236Gly)

Gene: HPGD (15-hydroxyprostaglandin dehydrogenase; minus strand). Cytogenetic location: 4q34.1.
Variant type: single nucleotide variant.
Coding change: c.707A>G on transcript NM_000860.6 (MANE Select); coding-DNA position 707, A replaced by G.
Protein change: p.Asp236Gly; replaces aspartic acid 236 with glycine.
Molecular consequence: missense variant. On other transcripts: 3 prime UTR variant (2).
Genome position (GRCh38, 1-based): chr4:174,492,050, T>C on the plus strand (A>G on the coding strand, the complement: HPGD is on the minus strand). VCF-style: chr4-174492050-T-C. GRCh37 (hg19) VCF-style: chr4-175413201-T-C.
Other names: c.*6A>G (NM_001145816.3); c.344A>G, p.Asp115Gly (NM_001256301.1, NM_001256307.2); c.*34A>G (NM_001256305.2); c.503A>G, p.Asp168Gly (NM_001256306.2); short protein forms D168G, D236G, D115G.
Identifiers: ClinVar variation 1513711 (VCV001513711.3), dbSNP rs778177811, ClinGen allele CA3142173.
Genomic context (GRCh38, chr4:174,492,050, plus strand): 5'-TAGTCTTGAAAATGAATTCCCTTAGAAGTTGTGATCTTCATAATAGCACCATTTAAAGCA[T>C]CATCTTCAATGAGTGTTATCAATCCATTGGCAATCAATGGTGGGCTAAAAATAAAGAAAA-3'
Protein context (NP_000851.2, residues 226-246): ANGLITLIED[Asp236Gly]ALNGAIMKIT

ClinVar aggregate classification (germline): Uncertain significance (1 of 4 stars; one submission).

Allele frequency attached by ClinVar (database versions not stated): gnomAD exomes 0.00002 and 0.00004; gnomAD 0.00003 and 0.00004; TOPMed 0.00004; ExAC 0.00006.
gnomAD v4.1: 39 of 1,609,420 alleles (0.0024%); highest among the groups gnomAD compares: Admixed American, 0.012%; 1 homozygote.

Submission:

Labcorp Genetics (formerly Invitae), Labcorp
Classification: Uncertain significance. Last evaluated: 2021-11-04. Review status: criteria provided, single submitter. Criteria: Invitae Variant Classification Sherloc (09022015). Collection method: clinical testing. Allele origin: germline.
Comment: This sequence change replaces aspartic acid, which is acidic and polar, with glycine, which is neutral and non-polar, at codon 236 of the HPGD protein (p.Asp236Gly). This variant is present in population databases (rs778177811, gnomAD 0.009%), including at least one homozygous and/or hemizygous individual. This variant has not been reported in the literature in individuals affected with HPGD-related conditions. Algorithms developed to predict the effect of missense changes on protein structure and function are either unavailable or do not agree on the potential impact of this missense change (SIFT: "Deleterious"; PolyPhen-2: "Possibly Damaging"; Align-GVGD: "Class C0"). Algorithms developed to predict the effect of sequence changes on RNA splicing suggest that this variant may create or strengthen a splice site. In summary, the available evidence is currently insufficient to determine the role of this variant in disease. Therefore, it has been classified as a Variant of Uncertain Significance.